The following is an entry in ClinVar:

NM_000463.3(UGT1A1):c.*440G>C

Genes: UGT1A7 (UDP glucuronosyltransferase family 1 member A7; plus strand), UGT1A10 (UDP glucuronosyltransferase family 1 member A10; plus strand), UGT1A (UDP glucuronosyltransferase family 1 member A complex locus; plus strand), UGT1A9 (UDP glucuronosyltransferase family 1 member A9; plus strand), UGT1A5 (UDP glucuronosyltransferase family 1 member A5; plus strand) and 5 more. Cytogenetic location: 2q37.1.
Variant type: single nucleotide variant.
Coding change: c.*440G>C on transcript NM_000463.3 (MANE Select); 440 bases downstream of the stop codon, G replaced by C.
Molecular consequence: 3 prime UTR variant.
Genome position (GRCh38, 1-based): chr2:233,772,999, G>C. VCF-style: chr2-233772999-G-C. GRCh37 (hg19) VCF-style: chr2-234681645-G-C.
Other names: c.*440G>C (NM_001072.4, NM_205862.3, NM_019078.2 and 6 more transcripts).
Identifiers: ClinVar variation 335086 (VCV000335086.5), dbSNP rs8330, ClinGen allele CA10614888.

ClinVar aggregate classification (germline): Benign/Likely benign. Review status: criteria provided, single submitter (1 of 4 stars). 3 submissions from 1 submitter: Benign (2); Likely benign (1). Last evaluated 2018-01-13.

Conditions:
Crigler-Najjar syndrome. Identifiers: Orphanet 205, MedGen C5551003, MONDO:0009044.
Lucey-Driscoll syndrome (HBLRTFN). Also called: Transient familial neonatal hyperbilirubinemia. Identifiers: Orphanet 2312, MedGen C0270210, MONDO:0009383, OMIM 237900.
Gilbert syndrome. Also called: HYPERBILIRUBINEMIA I; HYPERBILIRUBINEMIA, ARIAS TYPE; Gilbert Disease; Gilbert's syndrome; HYPERBILIRUBINEMIA, GILBERT TYPE. Identifiers: MedGen C0017551, MONDO:0007745, OMIM 143500.

Allele frequency attached by ClinVar (database versions not stated): TOPMed 0.70909; gnomAD 0.72111 and 0.72835; 1000 Genomes Project 30x 0.73454; 1000 Genomes Project 0.74501; gnomAD exomes 0.79013.
gnomAD v4.1: 179,059 of 238,554 alleles (75%); highest among the groups gnomAD compares: East Asian, 88%; 68,191 homozygotes.

Submissions (3):

Illumina Laboratory Services, Illumina
Classification: Likely benign for Gilbert syndrome. Last evaluated: 2018-01-13. Review status: criteria provided, single submitter. Criteria: ICSL Variant Classification Criteria 13 December 2019. Collection method: clinical testing. Allele origin: germline.
Comment: This variant was observed in the ICSL laboratory as part of a predisposition screen in an ostensibly healthy population. It had not been previously curated by ICSL or reported in the Human Gene Mutation Database (HGMD: prior to June 1st, 2018), and was therefore a candidate for classification through an automated scoring system. Utilizing variant allele frequency, disease prevalence and penetrance estimates, and inheritance mode, an automated score was calculated to assess if this variant is too frequent to cause the disease. Based on the score and internal cut-off values, a variant classified as likely benign is not then subjected to further curation. The score for this variant resulted in a classification of likely benign for this disease.

Illumina Laboratory Services, Illumina
Classification: Benign for Crigler-Najjar syndrome. Last evaluated: 2018-01-13. Review status: criteria provided, single submitter. Criteria: ICSL Variant Classification Criteria 13 December 2019. Collection method: clinical testing. Allele origin: germline.
Comment: This variant was observed in the ICSL laboratory as part of a predisposition screen in an ostensibly healthy population. It had not been previously curated by ICSL or reported in the Human Gene Mutation Database (HGMD: prior to June 1st, 2018), and was therefore a candidate for classification through an automated scoring system. Utilizing variant allele frequency, disease prevalence and penetrance estimates, and inheritance mode, an automated score was calculated to assess if this variant is too frequent to cause the disease. Based on the score and internal cut-off values, a variant classified as benign is not then subjected to further curation. The score for this variant resulted in a classification of benign for this disease.

Illumina Laboratory Services, Illumina
Classification: Benign for Lucey-Driscoll syndrome. Last evaluated: 2018-01-13. Review status: criteria provided, single submitter. Criteria: ICSL Variant Classification Criteria 13 December 2019. Collection method: clinical testing. Allele origin: germline.
Comment: the same text as in the submission from Illumina Laboratory Services, Illumina above.